The following is an entry in ClinVar:

NM_000368.5(TSC1):c.1985A>C (p.Lys662Thr)

Gene: TSC1 (TSC complex subunit 1; minus strand). Cytogenetic location: 9q34.13.
Variant type: single nucleotide variant.
Coding change: c.1985A>C on transcript NM_000368.5 (MANE Select); coding-DNA position 1985, A replaced by C.
Protein change: p.Lys662Thr; replaces lysine 662 with threonine.
Molecular consequence: missense variant.
Genome position (GRCh38, 1-based): chr9:132,905,593, T>G on the plus strand (A>C on the coding strand, the complement: TSC1 is on the minus strand). VCF-style: chr9-132905593-T-G. GRCh37 (hg19) VCF-style: chr9-135780980-T-G.
Other names: c.1982A>C, p.Lys661Thr (NM_001406604.1, NM_001406608.1, NM_001406609.1 and 6 more transcripts); c.1985A>C, p.Lys662Thr (NM_001406605.1, NM_001406606.1, NM_001406607.1 and 7 more transcripts); c.1832A>C, p.Lys611Thr (NM_001406610.1, NM_001162427.2); c.1829A>C, p.Lys610Thr (NM_001406611.1, NM_001406612.1, NM_001406613.1); c.1619A>C, p.Lys540Thr (NM_001406623.1, NM_001406625.1, NM_001406620.1 and 2 more transcripts); c.1622A>C, p.Lys541Thr (NM_001406624.1, NM_001362177.2, NM_001406614.1 and 5 more transcripts); c.1034A>C, p.Lys345Thr (NM_001406626.1); c.1031A>C, p.Lys344Thr (NM_001406627.1, NM_001406628.1); and 1 more; short protein forms K540T, K311T, K541T, K662T, K344T, K345T, K610T, K611T.
Identifiers: ClinVar variation 2121264 (VCV002121264.4), dbSNP rs2131807764, ClinGen allele CA375362266.
Genomic context (GRCh38, chr9:132,905,593, plus strand): 5'-CAATAAAATGGACCATTTAACACAGAAGAGAGTGCCCCAGTCCCTTACTTGTTCAGCTCC[T>G]TGCTGTGCGCGTCTGCTCCCTGCTGTATCAGTCTGTCCAGCACTTCCATTGGGGAGGTAG-3'
Protein context (NP_000359.1, residues 652-672): LIQQGADAHS[Lys662Thr]ELNKLPLPSK

ClinVar aggregate classification (germline): Uncertain significance (1 of 4 stars; one submission).

Conditions:
Tuberous sclerosis 1 (TSC1). Identifiers: Orphanet 805, MedGen C1854465, MONDO:0008612, OMIM 191100.

Submission:

Labcorp Genetics (formerly Invitae), Labcorp
Classification: Uncertain significance for Tuberous sclerosis 1. Last evaluated: 2022-04-04. Review status: criteria provided, single submitter. Criteria: Invitae Variant Classification Sherloc (09022015). Collection method: clinical testing. Allele origin: germline.
Comment: This sequence change replaces lysine, which is basic and polar, with threonine, which is neutral and polar, at codon 662 of the TSC1 protein (p.Lys662Thr). This variant is not present in population databases (gnomAD no frequency). This variant has not been reported in the literature in individuals affected with TSC1-related conditions. Algorithms developed to predict the effect of missense changes on protein structure and function are either unavailable or do not agree on the potential impact of this missense change (SIFT: "Tolerated"; PolyPhen-2: "Probably Damaging"; Align-GVGD: "Class C0"). In summary, the available evidence is currently insufficient to determine the role of this variant in disease. Therefore, it has been classified as a Variant of Uncertain Significance.